The following is an entry in ClinVar:

ClinVar aggregate classification (germline): Pathogenic (1 of 4 stars; one submission).

Submission:

Labcorp Genetics (formerly Invitae), Labcorp
Classification: Pathogenic. Last evaluated: 2023-08-17. Review status: criteria provided, single submitter. Criteria: Invitae Variant Classification Sherloc (09022015). Collection method: clinical testing. Allele origin: germline.
Comment: This variant has not been reported in the literature in individuals affected with CEP250-related conditions. This variant is not present in population databases (gnomAD no frequency). This sequence change creates a premature translational stop signal (p.Glu1483Argfs*7) in the CEP250 gene. It is expected to result in an absent or disrupted protein product. Loss-of-function variants in CEP250 are known to be pathogenic (PMID: 24780881, 29718797). For these reasons, this variant has been classified as Pathogenic.

Literature cited by the submitters: PubMed 24780881; PubMed 29718797.

NM_007186.6(CEP250):c.4447del (p.Glu1483fs)

Gene: CEP250 (centrosomal protein 250; plus strand). Cytogenetic location: 20q11.22.
Variant type: Deletion.
Coding change: c.4447del on transcript NM_007186.6 (MANE Select); coding-DNA position 4447, one base deleted (G; older notation c.4447delG).
Protein change: p.Glu1483fs; shifts the reading frame from glutamic acid 1483.
Molecular consequence: frameshift variant.
Genome position (GRCh38, 1-based): chr20:35,502,816, G deleted. VCF-style (leftmost placement, unchanged base first): chr20-35502815-AG-A. GRCh37 (hg19) VCF-style: chr20-34090643-AG-A.
Other names: c.2551del, p.Glu851fs (NM_001318219.1); short protein forms E851fs, E1483fs.
Identifiers: ClinVar variation 2753594 (VCV002753594.3), dbSNP rs2516232840, ClinGen allele CA2697547373.